The following is an entry in ClinVar:

NM_000135.4(FANCA):c.3574C>G (p.Pro1192Ala)

Gene: FANCA (FA complementation group A; minus strand). Cytogenetic location: 16q24.3.
Variant type: single nucleotide variant.
Coding change: c.3574C>G on transcript NM_000135.4 (MANE Select); coding-DNA position 3574, C replaced by G.
Protein change: p.Pro1192Ala; replaces proline 1192 with alanine.
Molecular consequence: missense variant.
Genome position (GRCh38, 1-based): chr16:89,745,011, G>C on the plus strand (C>G on the coding strand, the complement: FANCA is on the minus strand). VCF-style: chr16-89745011-G-C. GRCh37 (hg19) VCF-style: chr16-89811419-G-C.
Other names: c.3574C>G, p.Pro1192Ala (NM_001286167.3); short protein forms P1192A.
Identifiers: ClinVar variation 5036412 (VCV005036412.1).
Genomic context (GRCh38, chr16:89,745,011, plus strand): 5'-ACACGTACTCGCTGGCAAACTGCCGGCCTTCTTGTAGCTTCTGCAGTTCCCGGGGCAGCG[G>C]GCTCTGGCAGTGTCTCCTCCACCGGCAGAGCAGCACAGGCTCCAGGCTCGGCCACCACAC-3'
Protein context (NP_000126.2, residues 1182-1202): LCRWRRHCQS[Pro1192Ala]LPRELQKLQE

ClinVar aggregate classification (germline): Uncertain significance (1 of 4 stars; one submission).

Conditions:
Inborn genetic diseases. Identifiers: MedGen C0950123, MeSH D030342.

Submission:

Ambry Genetics
Classification: Uncertain significance for Inborn genetic diseases. Last evaluated: 2026-08-14. Review status: criteria provided, single submitter. Criteria: Ambry Variant Classification Scheme 2023. Collection method: clinical testing. Allele origin: germline.
Comment: The p.P1192A variant (also known as c.3574C>G), located in coding exon 36 of the FANCA gene, results from a C to G substitution at nucleotide position 3574. The proline at codon 1192 is replaced by alanine, an amino acid with highly similar properties. This amino acid position is conserved. In addition, this alteration is predicted to be tolerated by in silico analysis. Based on the available evidence, the clinical significance of this variant remains unclear.